The following is an entry in ClinVar:

ClinVar aggregate classification (germline): Likely pathogenic (1 of 4 stars; one submission).

Conditions:
Distal myopathy with posterior leg and anterior hand involvement. Also called: WILLIAMS DISTAL MYOPATHY. Identifiers: Orphanet 63273, MedGen C3279722, MONDO:0013550, OMIM 614065.
Hypertrophic cardiomyopathy 26. Also called: Cardiomyopathy, familial hypertrophic, 26. Identifiers: Orphanet 75249, MedGen C4310749, MONDO:0014883, OMIM 617047.
Myofibrillar myopathy 5. Also called: Filaminopathy (type); FILAMINOPATHY, AUTOSOMAL DOMINANT. Identifiers: Orphanet 171445, MedGen C1836050, MONDO:0012289, OMIM 609524.

Submission:

Juno Genomics, Hangzhou Juno Genomics, Inc
Classification: Likely pathogenic for Hypertrophic cardiomyopathy 26; Distal myopathy with posterior leg and anterior hand involvement; Myofibrillar myopathy 5. Review status: criteria provided, single submitter. Criteria: ACMG Guidelines, 2015. Collection method: clinical testing. Allele origin: germline. Affected: yes.
Comment: Absent from controls (or at extremely low frequency if recessive) in Genome Aggregation Database, Exome Sequencing Project, 1000 Genomes Project, or Exome Aggregation Consortium.;Null variant in a gene where loss of function (LOF) is a known mechanism of disease.;The prevalence of the variant in affected individuals is significantly increased compared to the prevalence in controls.;Patient's phenotype or family history is highly specific for a disease with a single genetic etiology.

NM_001458.5(FLNC):c.3791-1G>A

Gene: FLNC (filamin C; plus strand). Cytogenetic location: 7q32.1.
Variant type: single nucleotide variant.
Coding change: c.3791-1G>A on transcript NM_001458.5 (MANE Select); the canonical splice acceptor site of the intron before coding-DNA position 3791, G replaced by A.
Molecular consequence: splice acceptor variant.
Genome position (GRCh38, 1-based): chr7:128,845,989, G>A. VCF-style: chr7-128845989-G-A. GRCh37 (hg19) VCF-style: chr7-128486043-G-A.
Other names: p.?; c.3791-1G>A (NM_001127487.2).
Identifiers: ClinVar variation 3382351 (VCV003382351.2).